The following is an entry in ClinVar:

NM_005633.4(SOS1):c.2063+7A>G

Gene: SOS1 (SOS Ras/Rac guanine nucleotide exchange factor 1; minus strand). Cytogenetic location: 2p22.1.
Variant type: single nucleotide variant.
Coding change: c.2063+7A>G on transcript NM_005633.4 (MANE Select); 7 bases into the intron after coding-DNA position 2063, A replaced by G.
Molecular consequence: intron variant.
Genome position (GRCh38, 1-based): chr2:39,013,860, T>C on the plus strand (A>G on the coding strand, the complement: SOS1 is on the minus strand). VCF-style: chr2-39013860-T-C. GRCh37 (hg19) VCF-style: chr2-39241001-T-C.
Other names: c.2063+7A>G (NM_005633.3, NM_001382395.1); c.2042+7A>G (NM_001382394.1).
Identifiers: ClinVar variation 1141207 (VCV001141207.11), dbSNP rs1431540653, ClinGen allele CA531987939.

ClinVar aggregate classification (germline): Likely benign. Review status: criteria provided, multiple submitters, no conflicts (2 of 4 stars). 3 submissions from 3 submitters: Likely benign (3). Last evaluated 2025-10-25.

Conditions:
RASopathy. Also called: rasopathies; Noonan spectrum disorder. Identifiers: Orphanet 536391, MedGen C5555857, MONDO:0021060.
SOS1-related disorder. Also called: SOS1-related condition.

Allele frequency attached by ClinVar (database versions not stated): gnomAD exomes 0.00001; TOPMed 0.00002; gnomAD 0.00003.
gnomAD v4.1: 14 of 1,609,288 alleles (0.00087%); highest among the groups gnomAD compares: African/African-American, 0.0013%; no homozygotes.

Submissions (3):

Labcorp Genetics (formerly Invitae), Labcorp
Classification: Likely benign for RASopathy. Last evaluated: 2025-10-25. Review status: criteria provided, single submitter. Criteria: Invitae Variant Classification Sherloc (09022015). Collection method: clinical testing. Allele origin: germline.

ARUP Laboratories, Molecular Genetics and Genomics, ARUP Laboratories
Classification: Likely benign. Last evaluated: 2025-07-22. Review status: criteria provided, single submitter. Criteria: ARUP Molecular Germline Variant Investigation Process 2024. Collection method: clinical testing. Allele origin: germline.

PreventionGenetics, part of Exact Sciences
Classification: Likely benign for SOS1-related condition. Last evaluated: 2025-06-27. Review status: criteria provided, single submitter. Criteria: ACMG Guidelines, 2015. Collection method: clinical testing. Allele origin: germline.
Comment: This variant is classified as likely benign based on ACMG/AMP sequence variant interpretation guidelines (Richards et al. 2015 PMID: 25741868, with internal and published modifications).